The following is an entry in ClinVar:

ClinVar aggregate classification (germline): Likely benign. Review status: criteria provided, multiple submitters, no conflicts (2 of 4 stars). 4 submissions from 4 submitters: Likely benign (3). 1 of the submissions does not count toward it. Last evaluated 2026-06-01.

Conditions:
CAMK2B-related disorder. Also called: CAMK2B-related condition.

Allele frequency attached by ClinVar (database versions not stated): 1000 Genomes Project 30x 0.00016; 1000 Genomes Project 0.00020; ExAC 0.00028; gnomAD exomes 0.00030; ESP Exome Variant Server 0.00031; gnomAD 0.00036 and 0.00037; TOPMed 0.00040.
gnomAD v4.1: 573 of 1,613,226 alleles (0.036%); highest among the groups gnomAD compares: Non-Finnish European, 0.044%; 1 homozygote.

Submissions (4):

CeGaT Center for Human Genetics Tuebingen
Classification: Likely benign. Last evaluated: 2026-06-01. Review status: criteria provided, single submitter. Criteria: CeGaT Center For Human Genetics Tuebingen Variant Classification Criteria Version 2. Collection method: clinical testing. Allele origin: germline. Affected: yes. Observed: 2 variant alleles.
Comment: CAMK2B: BP4, BP7

Labcorp Genetics (formerly Invitae), Labcorp
Classification: Likely benign. Last evaluated: 2026-01-11. Review status: criteria provided, single submitter. Criteria: Invitae Variant Classification Sherloc (09022015). Collection method: clinical testing. Allele origin: germline.

Blueprint Genetics
Classification: Likely benign. Last evaluated: 2024-11-21. Review status: criteria provided, single submitter. Criteria: ACMG Guidelines, 2015. Collection method: clinical testing. Allele origin: germline.

PreventionGenetics, part of Exact Sciences
Classification: Likely benign for CAMK2B-related condition. Last evaluated: 2019-08-22. Review status: no assertion criteria provided. Collection method: clinical testing. Allele origin: germline. Not counted in ClinVar's aggregate classification.
Comment: This variant is classified as likely benign based on ACMG/AMP sequence variant interpretation guidelines (Richards et al. 2015 PMID: 25741868, with internal and published modifications).

NM_001220.5(CAMK2B):c.597A>G (p.Ala199=)

Gene: CAMK2B (calcium/calmodulin dependent protein kinase II beta; minus strand). Cytogenetic location: 7p13.
Variant type: single nucleotide variant.
Coding change: c.597A>G on transcript NM_001220.5 (MANE Select); coding-DNA position 597, A replaced by G.
Protein change: p.Ala199=; no amino-acid change (alanine 199 retained).
Molecular consequence: synonymous variant.
Genome position (GRCh38, 1-based): chr7:44,243,254, T>C on the plus strand (A>G on the coding strand, the complement: CAMK2B is on the minus strand). VCF-style: chr7-44243254-T-C. GRCh37 (hg19) VCF-style: chr7-44282853-T-C.
Other names: c.597A>G (NM_001220.4); c.597A>G, p.Ala199= (NM_001293170.2, NM_172078.3, NM_172079.3 and 5 more transcripts).
Identifiers: ClinVar variation 1490667 (VCV001490667.18), dbSNP rs149091142, ClinGen allele CA4240660.